The following is an entry in ClinVar:

NM_024675.4(PALB2):c.48+8G>C

Gene: PALB2 (partner and localizer of BRCA2; minus strand). Cytogenetic location: 16p12.2.
Variant type: single nucleotide variant.
Coding change: c.48+8G>C on transcript NM_024675.4 (MANE Select); 8 bases into the intron after coding-DNA position 48, G replaced by C.
Molecular consequence: intron variant.
Genome position (GRCh38, 1-based): chr16:23,641,102, C>G on the plus strand (G>C on the coding strand, the complement: PALB2 is on the minus strand). VCF-style: chr16-23641102-C-G. GRCh37 (hg19) VCF-style: chr16-23652423-C-G.
Other names: c.-1688G>C (NM_001407304.1, NM_001407310.1).
Identifiers: ClinVar variation 2008164 (VCV002008164.5), dbSNP rs2142480527, ClinGen allele CA2580091243.

ClinVar aggregate classification (germline): Conflicting classifications of pathogenicity. Review status: criteria provided, conflicting classifications (1 of 4 stars). 2 submissions from 2 submitters: Uncertain significance (1); Likely benign (1). Last evaluated 2025-01-09.

Conditions:
Familial cancer of breast. Also called: hereditary breast carcinoma; BREAST CANCER, FAMILIAL; Hereditary breast cancer. Identifiers: Orphanet 227535, MedGen C0346153, MONDO:0016419, OMIM 114480. Disease mechanism: loss of function.

Submissions (2):

Myriad Genetics, Inc.
Classification: Likely benign for Familial cancer of breast. Last evaluated: 2025-01-09. Review status: criteria provided, single submitter. Criteria: Myriad Autosomal Dominant, Autosomal Recessive and X-Linked Classification Criteria (2023). Collection method: clinical testing. Allele origin: unknown.
Comment: This variant is considered likely benign. This variant is intronic and is not expected to impact mRNA splicing.

Labcorp Genetics (formerly Invitae), Labcorp
Classification: Uncertain significance for Familial cancer of breast. Last evaluated: 2022-06-18. Review status: criteria provided, single submitter. Criteria: Invitae Variant Classification Sherloc (09022015). Collection method: clinical testing. Allele origin: germline.
Comment: This sequence change falls in intron 1 of the PALB2 gene. It does not directly change the encoded amino acid sequence of the PALB2 protein. This variant is not present in population databases (gnomAD no frequency). This variant has not been reported in the literature in individuals affected with PALB2-related conditions. Algorithms developed to predict the effect of sequence changes on RNA splicing suggest that this variant may disrupt the consensus splice site. In summary, the available evidence is currently insufficient to determine the role of this variant in disease. Therefore, it has been classified as a Variant of Uncertain Significance.